The following is an entry in ClinVar:

ClinVar aggregate classification (germline): Uncertain significance. Review status: criteria provided, multiple submitters, no conflicts (2 of 4 stars). 2 submissions from 2 submitters: Uncertain significance (2). Last evaluated 2024-05-25.

Conditions:
Inborn genetic diseases. Identifiers: MedGen C0950123, MeSH D030342.

Allele frequency attached by ClinVar (database versions not stated): ExAC 0.00005; gnomAD 0.00005.

Submissions (2):

Labcorp Genetics (formerly Invitae), Labcorp
Classification: Uncertain significance. Last evaluated: 2024-05-25. Review status: criteria provided, single submitter. Criteria: Invitae Variant Classification Sherloc (09022015). Collection method: clinical testing. Allele origin: germline.
Comment: This sequence change replaces arginine, which is basic and polar, with glutamine, which is neutral and polar, at codon 257 of the GSN protein (p.Arg257Gln). This variant is present in population databases (rs767693759, gnomAD 0.01%). This variant has not been reported in the literature in individuals affected with GSN-related conditions. ClinVar contains an entry for this variant (Variation ID: 1760259). Advanced modeling of protein sequence and biophysical properties (such as structural, functional, and spatial information, amino acid conservation, physicochemical variation, residue mobility, and thermodynamic stability) performed at Invitae indicates that this missense variant is not expected to disrupt GSN protein function with a negative predictive value of 80%. In summary, the available evidence is currently insufficient to determine the role of this variant in disease. Therefore, it has been classified as a Variant of Uncertain Significance.

Ambry Genetics
Classification: Uncertain significance for Inborn genetic diseases. Last evaluated: 2020-10-05. Review status: criteria provided, single submitter. Criteria: Ambry Variant Classification Scheme 2023. Collection method: clinical testing. Allele origin: germline.
Comment: The p.R257Q variant (also known as c.770G>A), located in coding exon 5 of the GSN gene, results from a G to A substitution at nucleotide position 770. The arginine at codon 257 is replaced by glutamine, an amino acid with highly similar properties. This amino acid position is not well conserved in available vertebrate species, and glutamine is the reference amino acid in other vertebrate species. In addition, this alteration is predicted to be tolerated by in silico analysis. Since supporting evidence is limited at this time, the clinical significance of this alteration remains unclear.

NM_198252.3(GSN):c.617G>A (p.Arg206Gln)

Gene: GSN (gelsolin; plus strand). Cytogenetic location: 9q33.2.
Variant type: single nucleotide variant.
Coding change: c.617G>A on transcript NM_198252.3 (MANE Select); coding-DNA position 617, G replaced by A.
Protein change: p.Arg206Gln; replaces arginine 206 with glutamine.
Molecular consequence: missense variant. On other transcripts: 5 prime UTR variant (1).
Genome position (GRCh38, 1-based): chr9:121,312,442, G>A. VCF-style: chr9-121312442-G-A. GRCh37 (hg19) VCF-style: chr9-124074720-G-A.
Other names: c.770G>A, p.Arg257Gln (NM_000177.5); c.617G>A, p.Arg206Gln (NM_001127662.2, NM_001127664.2, NM_001127665.2 and 10 more transcripts); c.725G>A, p.Arg242Gln (NM_001127663.2); c.650G>A, p.Arg217Gln (NM_001127666.2, NM_001127667.2, NM_001353063.2 and 13 more transcripts); c.668G>A, p.Arg223Gln (NM_001258029.2); c.641G>A, p.Arg214Gln (NM_001258030.2); c.689G>A, p.Arg230Gln (NM_001353076.2); c.-38G>A (NM_001353078.2); short protein forms R217Q, R223Q, R206Q, R214Q, R230Q, R242Q, R257Q.
Identifiers: ClinVar variation 1760259 (VCV001760259.7), dbSNP rs767693759, ClinGen allele CA5220950.